The following is an entry in ClinVar:

NM_015937.6(PIGT):c.527T>C (p.Leu176Pro)

Gene: PIGT (phosphatidylinositol glycan anchor biosynthesis class T; plus strand). Cytogenetic location: 20q13.12.
Variant type: single nucleotide variant.
Coding change: c.527T>C on transcript NM_015937.6 (MANE Select); coding-DNA position 527, T replaced by C.
Protein change: p.Leu176Pro; replaces leucine 176 with proline.
Molecular consequence: missense variant. On other transcripts: non-coding transcript variant (3).
Genome position (GRCh38, 1-based): chr20:45,419,328, T>C. VCF-style: chr20-45419328-T-C. GRCh37 (hg19) VCF-style: chr20-44047968-T-C.
Other names: c.359T>C, p.Leu120Pro (NM_001184728.3); c.527T>C, p.Leu176Pro (NM_001184729.3); c.221T>C, p.Leu74Pro (NM_001184730.3); c.527T>C (NM_015937.4); short protein forms L120P, L74P, L176P.
Identifiers: ClinVar variation 2045465 (VCV002045465.5), dbSNP rs2515529981, ClinGen allele CA409166881.

ClinVar aggregate classification (germline): Uncertain significance. Review status: criteria provided, multiple submitters, no conflicts (2 of 4 stars). 2 submissions from 2 submitters: Uncertain significance (2). Last evaluated 2025-09-01.

Conditions:
Multiple congenital anomalies-hypotonia-seizures syndrome 3 (MCAHS3). Also called: GLYCOSYLPHOSPHATIDYLINOSITOL BIOSYNTHESIS DEFECT 7. Identifiers: Orphanet 369837, MedGen C3809356, MONDO:0014165, OMIM 615398.
Inborn genetic diseases. Identifiers: MedGen C0950123, MeSH D030342.

Submissions (2):

Ambry Genetics
Classification: Uncertain significance for Inborn genetic diseases. Last evaluated: 2025-09-01. Review status: criteria provided, single submitter. Criteria: Ambry Variant Classification Scheme 2023. Collection method: clinical testing. Allele origin: germline.

Labcorp Genetics (formerly Invitae), Labcorp
Classification: Uncertain significance for Multiple congenital anomalies-hypotonia-seizures syndrome 3. Last evaluated: 2022-07-18. Review status: criteria provided, single submitter. Criteria: Invitae Variant Classification Sherloc (09022015). Collection method: clinical testing. Allele origin: germline.
Comment: In summary, the available evidence is currently insufficient to determine the role of this variant in disease. Therefore, it has been classified as a Variant of Uncertain Significance. Algorithms developed to predict the effect of missense changes on protein structure and function are either unavailable or do not agree on the potential impact of this missense change (SIFT: "Deleterious"; PolyPhen-2: "Probably Damaging"; Align-GVGD: "Class C0"). This variant has not been reported in the literature in individuals affected with PIGT-related conditions. This variant is not present in population databases (gnomAD no frequency). This sequence change replaces leucine, which is neutral and non-polar, with proline, which is neutral and non-polar, at codon 176 of the PIGT protein (p.Leu176Pro).